The following is an entry in ClinVar:

NM_130839.5(UBE3A):c.1906A>G (p.Arg636Gly)

Genes: SNHG14 (small nucleolar RNA host gene 14; plus strand), UBE3A (ubiquitin protein ligase E3A; minus strand). Cytogenetic location: 15q11.2.
Variant type: single nucleotide variant.
Coding change: c.1906A>G on transcript NM_130839.5 (MANE Select); coding-DNA position 1906, A replaced by G.
Protein change: p.Arg636Gly; replaces arginine 636 with glycine.
Molecular consequence: missense variant. On other transcripts: non-coding transcript variant (1).
Genome position (GRCh38, 1-based): chr15:25,356,744, T>C on the plus strand (A>G on the coding strand, the complement: UBE3A is on the minus strand). VCF-style: chr15-25356744-T-C. GRCh37 (hg19) VCF-style: chr15-25601891-T-C.
Other names: c.1915A>G, p.Arg639Gly (NM_000462.5); c.1906A>G, p.Arg636Gly (NM_001354505.1, NM_001354538.2, NM_001354545.2); c.1846A>G, p.Arg616Gly (NM_001354506.2, NM_001354507.2, NM_001354508.2 and 17 more transcripts); c.1729A>G, p.Arg577Gly (NM_001354546.2); c.655A>G, p.Arg219Gly (NM_001354550.2); c.595A>G, p.Arg199Gly (NM_001354551.2); short protein forms R199G, R219G, R577G, R616G, R636G, R639G.
Identifiers: ClinVar variation 1801166 (VCV001801166.1), dbSNP rs2552187380, ClinGen allele CA391352492.

ClinVar aggregate classification (germline): Uncertain significance (1 of 4 stars; one submission).

Submission:

GeneDx
Classification: Uncertain significance. Last evaluated: 2022-05-24. Review status: criteria provided, single submitter. Criteria: GeneDx Variant Classification Process June 2021. Collection method: clinical testing. Allele origin: germline. Affected: yes.
Comment: Not observed at significant frequency in large population cohorts (gnomAD); In silico analysis supports that this missense variant has a deleterious effect on protein structure/function; Has not been previously published as pathogenic or benign to our knowledge